The following is an entry in ClinVar:

NM_177438.2:c.(734+1_735-1)_(2256+1_2257-1)dup

Gene: DICER1 (dicer 1, ribonuclease III; minus strand).
Variant type: Duplication.
Identifiers: ClinVar variation 1065544 (VCV001065544.1).

ClinVar aggregate classification (germline): Pathogenic (1 of 4 stars; one submission).

Conditions:
Hereditary cancer-predisposing syndrome. Also called: Hereditary Cancer Syndrome; Hereditary neoplastic syndrome; Neoplastic Syndromes, Hereditary; Tumor predisposition. Identifiers: Orphanet 140162, MedGen C0027672, MeSH D009386, MONDO:0015356.

Submission:

Ambry Genetics
Classification: Pathogenic for Hereditary cancer-predisposing syndrome. Last evaluated: 2020-03-20. Review status: criteria provided, single submitter. Criteria: Ambry Autosomal Dominant and X-Linked criteria (2/2020). Collection method: clinical testing. Allele origin: germline. Observed: 1 variant allele.
Comment: The EX6_13dup gross duplication spans coding exons 6 through 13 in the DICER1 gene; however, the exact breakpoints of the duplication were not determined. Additional analysis identified this duplication occurs in tandem and is predicted to result in an abnormal protein or a transcript that is subject to nonsense-mediated mRNA (Ambry internal data). As such, this alteration is interpreted as a disease-causing mutation.